The following is an entry in ClinVar:

ClinVar aggregate classification (germline): Benign/Likely benign. Review status: criteria provided, multiple submitters, no conflicts (2 of 4 stars). 14 submissions from 14 submitters: Benign (7); Likely benign (3). 4 of the submissions do not count toward it. Last evaluated 2026-02-03.

Conditions:
Breast and/or ovarian cancer. Identifiers: MedGen CN221562.
Hereditary cancer-predisposing syndrome. Also called: Neoplastic Syndromes, Hereditary; Hereditary Cancer Syndrome; Tumor predisposition; Hereditary neoplastic syndrome. Identifiers: Orphanet 140162, MedGen C0027672, MeSH D009386, MONDO:0015356.
Hereditary breast ovarian cancer syndrome. Also called: BRCA1- and BRCA2-Associated Hereditary Breast and Ovarian Cancer; Hereditary breast and ovarian cancer syndrome; Hereditary breast and ovarian cancer syndrome (HBOC); Hereditary breast and/or ovarian cancer syndrome; Hereditary breast and ovarian cancer; Breast and ovarian cancer. Identifiers: Orphanet 145, MedGen C0677776, MeSH D061325, MONDO:0003582. Disease mechanism: loss of function.
Familial cancer of breast. Also called: BREAST CANCER, FAMILIAL; hereditary breast carcinoma; Hereditary breast cancer. Identifiers: Orphanet 227535, MedGen C0346153, MONDO:0016419, OMIM 114480. Disease mechanism: loss of function.
Ataxia-telangiectasia syndrome (AT). Also called: Ataxia-telangiectasia, complementation group D; AT, COMPLEMENTATION GROUP C; Ataxia-telangiectasia; ATAXIA-TELANGIECTASIA, COMPLEMENTATION GROUP A; ATAXIA-TELANGIECTASIA, FRESNO VARIANT; Ataxia-telangiectasia, complementation group E. Identifiers: Orphanet 100, MedGen C0004135, MONDO:0008840, OMIM 208900.
Malignant tumor of breast. Also called: Malignant breast neoplasm; Cancer breast. Identifiers: MedGen C0006142, MONDO:0007254. Disease mechanism: loss of function.

Allele frequency attached by ClinVar (database versions not stated): ExAC 0.00068; gnomAD 0.00195 and 0.00183; gnomAD exomes 0.00017 and 0.00048; ESP Exome Variant Server 0.00315; 1000 Genomes Project 0.00260; TOPMed 0.00200; 1000 Genomes Project 30x 0.00281.
gnomAD v4.1: 537 of 1,613,914 alleles (0.033%); highest among the groups gnomAD compares: African/African-American, 0.65%; 4 homozygotes.

Submissions (14):

Labcorp Genetics (formerly Invitae), Labcorp
Classification: Benign for Ataxia-telangiectasia syndrome. Last evaluated: 2026-02-03. Review status: criteria provided, single submitter. Criteria: Invitae Variant Classification Sherloc (09022015). Collection method: clinical testing. Allele origin: germline.

Center for Genomic Medicine, Rigshospitalet, Copenhagen University Hospital
Classification: Benign. Last evaluated: 2025-03-04. Review status: criteria provided, single submitter. Criteria: ACMG Guidelines, 2015. Collection method: clinical testing. Allele origin: germline.

Blueprint Genetics
Classification: Likely benign. Last evaluated: 2024-10-03. Review status: criteria provided, single submitter. Criteria: ACMG Guidelines, 2015. Collection method: clinical testing. Allele origin: germline.

Myriad Genetics, Inc.
Classification: Benign for Familial cancer of breast. Last evaluated: 2024-06-19. Review status: criteria provided, single submitter. Criteria: Myriad Autosomal Dominant, Autosomal Recessive and X-Linked Classification Criteria (2023). Collection method: clinical testing. Allele origin: unknown.
Comment: This variant is considered benign. This variant is intronic and is not expected to impact mRNA splicing. This variant has been observed at a population frequency that is significantly greater than expected given the associated disease prevalence and penetrance.

ARUP Laboratories, Molecular Genetics and Genomics, ARUP Laboratories
Classification: Benign. Last evaluated: 2024-03-25. Review status: criteria provided, single submitter. Criteria: ARUP Molecular Germline Variant Investigation Process 2024. Collection method: clinical testing. Allele origin: germline.

CHEO Genetics Diagnostic Laboratory, Children's Hospital of Eastern Ontario
Classification: Likely benign for Breast and/or ovarian cancer. Last evaluated: 2022-09-02. Review status: criteria provided, single submitter. Criteria: ACMG Guidelines, 2015. Collection method: clinical testing. Allele origin: germline.

National Health Laboratory Service, Universitas Academic Hospital and University of the Free State
Classification: Benign for Hereditary breast ovarian cancer syndrome. Last evaluated: 2022-04-19. Review status: criteria provided, single submitter. Criteria: ACMG Guidelines, 2015. Collection method: clinical testing. Allele origin: germline. Affected: yes. Observed: 2 variant alleles.

Mendelics
Classification: Likely benign for Ataxia-telangiectasia syndrome. Last evaluated: 2019-05-28. Review status: criteria provided, single submitter. Criteria: Mendelics Assertion Criteria 2017. Collection method: clinical testing. Allele origin: unknown.

Color Diagnostics, LLC DBA Color Health
Classification: Benign for Hereditary cancer-predisposing syndrome. Last evaluated: 2015-09-22. Review status: criteria provided, single submitter. Criteria: ACMG Guidelines, 2015. Collection method: clinical testing. Allele origin: germline.

GeneDx
Classification: Benign. Last evaluated: 2013-10-22. Review status: criteria provided, single submitter. Criteria: GeneDx Variant Classification (06012015). Collection method: clinical testing. Allele origin: germline. Affected: yes.
Comment: This variant is considered likely benign or benign based on one or more of the following criteria: it is a conservative change, it occurs at a poorly conserved position in the protein, it is predicted to be benign by multiple in silico algorithms, and/or has population frequency not consistent with disease.

Clinical Genetics Laboratory, Department of Pathology, Netherlands Cancer Institute
Classification: Likely benign. Review status: no assertion criteria provided. Collection method: clinical testing. Allele origin: germline. Affected: yes. Study: VKGL Data-share Consensus. Not counted in ClinVar's aggregate classification.

Department of Pathology and Laboratory Medicine, Sinai Health System
Classification: Benign for Malignant tumor of breast. Review status: no assertion criteria provided. Collection method: clinical testing. Allele origin: unknown. Affected: yes. Observed: 1 variant allele. Study: The Canadian Open Genetics Repository (COGR). Not counted in ClinVar's aggregate classification.
Comment: The ATM c.8269-14A>T variant was not identified in the literature nor was it identified in the COGR, Cosmic, or LOVD 3.0 databases. The variant was identified in dbSNP (ID: rs114320959) as "With Benign allele ", and in ClinVar (classified as benign by GeneDx and Color). The variant was identified in control databases in 161 of 277072 chromosomes (1 homozygous) at a frequency of 0.0006 increasing the likelihood this could be a low frequency benign variant (Genome Aggregation Database Feb 27, 2017). The variant was observed in the following populations: African in 152 of 24032 chromosomes (freq: 0.006), Other in 1 of 6466 chromosomes (freq: 0.0002), Latino in 7 of 34390 chromosomes (freq: 0.0002), and South Asian in 1 of 30782 chromosomes (freq: 0.00003), while the variant was not observed in the European, Ashkenazi Jewish, East Asian, or in Finnish populations. The variant occurs outside of the splicing consensus sequence and 1 of 4 in silico or computational prediction software programs (SpliceSiteFinder, MaxEntScan, NNSPLICE, GeneSplicer) predict a greater than 10% difference in splicing; this is not very predictive of pathogenicity. In summary, based on the above information this variant meets our laboratory's criteria to be classified as benign.

Genome Diagnostics Laboratory, University Medical Center Utrecht
Classification: Likely benign. Review status: no assertion criteria provided. Collection method: clinical testing. Allele origin: germline. Affected: yes. Study: VKGL Data-share Consensus. Not counted in ClinVar's aggregate classification.

Laboratory of Diagnostic Genome Analysis, Leiden University Medical Center (LUMC)
Classification: Benign. Review status: no assertion criteria provided. Collection method: clinical testing. Allele origin: germline. Affected: yes. Study: VKGL Data-share Consensus. Not counted in ClinVar's aggregate classification.

NM_000051.4(ATM):c.8269-14A>T

Genes: ATM (ATM serine/threonine kinase; plus strand), C11orf65 (chromosome 11 open reading frame 65; minus strand). Cytogenetic location: 11q22.3.
Variant type: single nucleotide variant.
Coding change: c.8269-14A>T on transcript NM_000051.4 (MANE Select); 14 bases into the intron before coding-DNA position 8269, A replaced by T.
Molecular consequence: intron variant.
Genome position (GRCh38, 1-based): chr11:108,343,208, A>T. VCF-style: chr11-108343208-A-T. GRCh37 (hg19) VCF-style: chr11-108213935-A-T.
Other names: c.641-34137T>A (NM_001330368.2); c.695-7916T>A (NM_001351110.2); c.8269-14A>T (NM_001351834.2).
Identifiers: ClinVar variation 136432 (VCV000136432.22), dbSNP rs114320959, ClinGen allele CA289524.
Genomic context (GRCh38, chr11:108,343,208, plus strand): 5'-CTGATAGCTGAATGATCATCAAATGCTCTTTAATGGCCTTTTAAAATTAAAAGGTATTTA[A>T]TCTGTAACTCCAGGTGGTTCCCCTCTCTCAGCGAAGTGGTGTTCTTGAATGGTGCACAGG-3'